The following is an entry in ClinVar:

ClinVar aggregate classification (germline): Likely benign (0 of 4 stars; one submission).

Conditions:
KCNQ1-related disorder. Also called: KCNQ1-related condition; KCNQ1-related disorders. Identifiers: MedGen CN239322.

Allele frequency attached by ClinVar (database versions not stated): gnomAD exomes 0.00009; gnomAD 0.00011; TOPMed 0.00014.
gnomAD v4.1: 96 of 1,035,590 alleles (0.0093%); highest among the groups gnomAD compares: Admixed American, 0.034%; 1 homozygote.

Submission:

PreventionGenetics, part of Exact Sciences
Classification: Likely benign for KCNQ1-related condition. Last evaluated: 2020-04-02. Review status: no assertion criteria provided. Collection method: clinical testing. Allele origin: germline.
Comment: This variant is classified as likely benign based on ACMG/AMP sequence variant interpretation guidelines (Richards et al. 2015 PMID: 25741868, with internal and published modifications).

NM_000218.3(KCNQ1):c.1514+148C>T

Genes: KCNQ1 (potassium voltage-gated channel subfamily Q member 1; plus strand), KCNQ1OT1 (KCNQ1 opposite strand/antisense transcript 1; minus strand). Cytogenetic location: 11p15.5.
Variant type: single nucleotide variant.
Coding change: c.1514+148C>T on transcript NM_000218.3 (MANE Select); 148 bases into the intron after coding-DNA position 1514, C replaced by T.
Molecular consequence: intron variant. On other transcripts: non-coding transcript variant (1).
Genome position (GRCh38, 1-based): chr11:2,662,229, C>T. VCF-style: chr11-2662229-C-T. GRCh37 (hg19) VCF-style: chr11-2683459-C-T.
Other names: c.1244+148C>T (NM_001406837.1); c.1418+148C>T (NM_001406836.1); c.974+148C>T (NM_001406838.1); c.1133+148C>T (NM_181798.2).
Identifiers: ClinVar variation 3053992 (VCV003053992.2), dbSNP rs777465004, ClinGen allele CA216171169.